The following is an entry in ClinVar:

ClinVar aggregate classification (germline): Conflicting classifications of pathogenicity. Review status: criteria provided, conflicting classifications (1 of 4 stars). 3 submissions from 3 submitters: Uncertain significance (1); Likely benign (1). 1 of the submissions does not count toward it. Last evaluated 2025-04-25.

Conditions:
NPHP4-related disorder. Also called: NPHP4-related disorders; NPHP4-related condition. Identifiers: MedGen CN239384.
Nephronophthisis 4 (NPHP4). Also called: NEPHRONOPHTHISIS 4, JUVENILE. Identifiers: Orphanet 655, MedGen C1847013, MONDO:0011752, OMIM 606966.
Senior-Loken syndrome 4 (SLSN4). Identifiers: Orphanet 3156, MedGen C1846979, MONDO:0011756, OMIM 606996.
Nephronophthisis. Also called: Juvenile Nephronophthisis. Identifiers: Orphanet 655, MedGen C0687120, MONDO:0019005, HP:0000090.

Allele frequency attached by ClinVar (database versions not stated): gnomAD 0.00001 and 0.00003; gnomAD exomes 0.00002 and 0.00006; TOPMed 0.00002; ExAC 0.00009; 1000 Genomes Project 30x 0.00016; 1000 Genomes Project 0.00020.
gnomAD v4.1: 39 of 1,604,128 alleles (0.0024%); highest among the groups gnomAD compares: East Asian, 0.018%; no homozygotes.

Submissions (3):

Labcorp Genetics (formerly Invitae), Labcorp
Classification: Likely benign for Nephronophthisis. Last evaluated: 2025-04-25. Review status: criteria provided, single submitter. Criteria: Invitae Variant Classification Sherloc (09022015). Collection method: clinical testing. Allele origin: germline.

Fulgent Genetics
Classification: Uncertain significance for Nephronophthisis 4; Senior-Loken syndrome 4. Last evaluated: 2024-03-19. Review status: criteria provided, single submitter. Criteria: ACMG Guidelines, 2015. Collection method: clinical testing. Allele origin: germline.

PreventionGenetics, part of Exact Sciences
Classification: Likely benign for NPHP4-related condition. Last evaluated: 2023-09-05. Review status: no assertion criteria provided. Collection method: clinical testing. Allele origin: germline. Not counted in ClinVar's aggregate classification.
Comment: This variant is classified as likely benign based on ACMG/AMP sequence variant interpretation guidelines (Richards et al. 2015 PMID: 25741868, with internal and published modifications).

NM_015102.5(NPHP4):c.2718C>T (p.Arg906=)

Gene: NPHP4 (nephrocystin 4; minus strand). Cytogenetic location: 1p36.31.
Variant type: single nucleotide variant.
Coding change: c.2718C>T on transcript NM_015102.5 (MANE Select); coding-DNA position 2718, C replaced by T.
Protein change: p.Arg906=; no amino-acid change (arginine 906 retained).
Molecular consequence: synonymous variant. On other transcripts: non-coding transcript variant (1).
Genome position (GRCh38, 1-based): chr1:5,877,192, G>A on the plus strand (C>T on the coding strand, the complement: NPHP4 is on the minus strand). VCF-style: chr1-5877192-G-A. GRCh37 (hg19) VCF-style: chr1-5937252-G-A.
Other names: c.1179C>T, p.Arg393= (NM_001291593.2); c.1182C>T, p.Arg394= (NM_001291594.2).
Identifiers: ClinVar variation 845986 (VCV000845986.12), dbSNP rs576473519, ClinGen allele CA553957.